The following is an entry in ClinVar:

ClinVar aggregate classification (germline): Uncertain significance (1 of 4 stars; one submission).

Conditions:
Arrhythmogenic right ventricular dysplasia 8 (ARVD8). Also called: ARRHYTHMOGENIC RIGHT VENTRICULAR DYSPLASIA, FAMILIAL, 8; ARRHYTHMOGENIC RIGHT VENTRICULAR CARDIOMYOPATHY 8; Arrhythmogenic Right Ventricular Dysplasia/Cardiomyopathy 8. Identifiers: MedGen C1843896, MONDO:0011831, OMIM 607450.
Arrhythmogenic cardiomyopathy with wooly hair and keratoderma. Also called: Arrhythmogenic cardiomyopathy with woolly hair and keratoderma; Dilated cardiomyopathy with woolly hair and keratoderma; Carvajal syndrome; PALMOPLANTAR KERATODERMA WITH LEFT VENTRICULAR CARDIOMYOPATHY AND WOOLLY HAIR. Identifiers: Orphanet 65282, MedGen C1854063, MONDO:0011581, OMIM 605676.

Submission:

Labcorp Genetics (formerly Invitae), Labcorp
Classification: Uncertain significance for Arrhythmogenic cardiomyopathy with wooly hair and keratoderma; Arrhythmogenic right ventricular dysplasia 8. Last evaluated: 2020-09-11. Review status: criteria provided, single submitter. Criteria: Invitae Variant Classification Sherloc (09022015). Collection method: clinical testing. Allele origin: germline.
Comment: This variant has not been reported in the literature in individuals with DSP-related conditions. In summary, the available evidence is currently insufficient to determine the role of this variant in disease. Therefore, it has been classified as a Variant of Uncertain Significance. Algorithms developed to predict the effect of missense changes on protein structure and function are either unavailable or do not agree on the potential impact of this missense change (SIFT: "Deleterious"; PolyPhen-2: "Probably Damaging"; Align-GVGD: "Class C0"). This variant is not present in population databases (ExAC no frequency). This sequence change replaces cysteine with glycine at codon 78 of the DSP protein (p.Cys78Gly). The cysteine residue is moderately conserved and there is a large physicochemical difference between cysteine and glycine.

NM_004415.4(DSP):c.232T>G (p.Cys78Gly)

Gene: DSP (desmoplakin; plus strand). Cytogenetic location: 6p24.3.
Variant type: single nucleotide variant.
Coding change: c.232T>G on transcript NM_004415.4 (MANE Select); coding-DNA position 232, T replaced by G.
Protein change: p.Cys78Gly; replaces cysteine 78 with glycine.
Molecular consequence: missense variant.
Genome position (GRCh38, 1-based): chr6:7,555,779, T>G. VCF-style: chr6-7555779-T-G. GRCh37 (hg19) VCF-style: chr6-7556012-T-G.
Other names: c.232T>G, p.Cys78Gly (NM_001008844.3, NM_001319034.2); short protein forms C78G.
Identifiers: ClinVar variation 1009019 (VCV001009019.9), dbSNP rs1758490063, ClinGen allele CA362670806.
Genomic context (GRCh38, chr6:7,555,779, plus strand): 5'-CAAACCGGCACGATGTCCAGGCACCAGAACCAGAACACCATCCAGGAGCTGCTGCAGAAC[T>G]GCTCCGACTGCTTGATGCGAGCAGAGCTCATCGTGCAGCCTGTAAGCTTTCCCTGTTCCC-3'
Protein context (NP_004406.2, residues 68-88): QNTIQELLQN[Cys78Gly]SDCLMRAELI